The following is an entry in ClinVar:

ClinVar aggregate classification (germline): Likely benign. Review status: criteria provided, multiple submitters, no conflicts (2 of 4 stars). 4 submissions from 4 submitters: Likely benign (4). Last evaluated 2026-07-01.

Conditions:
Inborn genetic diseases. Identifiers: MedGen C0950123, MeSH D030342.
MAGEL2-related disorder. Also called: MAGEL2-related condition.

Allele frequency attached by ClinVar (database versions not stated): gnomAD exomes 0.00002 and 0.00016; gnomAD 0.00023 and 0.00024; TOPMed 0.00028.
gnomAD v4.1: 65 of 1,536,780 alleles (0.0042%); highest among the groups gnomAD compares: Admixed American, 0.12%; no homozygotes.

Submissions (4):

CeGaT Center for Human Genetics Tuebingen
Classification: Likely benign. Last evaluated: 2026-07-01. Review status: criteria provided, single submitter. Criteria: CeGaT Center For Human Genetics Tuebingen Variant Classification Criteria Version 2. Collection method: clinical testing. Allele origin: germline. Affected: yes. Observed: 4 variant alleles.
Comment: MAGEL2: PP3, BS1

PreventionGenetics, part of Exact Sciences
Classification: Likely benign for MAGEL2-related condition. Last evaluated: 2026-02-23. Review status: criteria provided, single submitter. Criteria: ACMG Guidelines, 2015. Collection method: clinical testing. Allele origin: germline.
Comment: This variant is classified as likely benign based on ACMG/AMP sequence variant interpretation guidelines (Richards et al. 2015 PMID: 25741868, with internal and published modifications).

Labcorp Genetics (formerly Invitae), Labcorp
Classification: Likely benign. Last evaluated: 2025-07-28. Review status: criteria provided, single submitter. Criteria: Invitae Variant Classification Sherloc (09022015). Collection method: clinical testing. Allele origin: germline.

Ambry Genetics
Classification: Likely benign for Inborn genetic diseases. Last evaluated: 2023-10-30. Review status: criteria provided, single submitter. Criteria: Ambry Variant Classification Scheme 2023. Collection method: clinical testing. Allele origin: germline.

NM_019066.5(MAGEL2):c.135T>A (p.Asp45Glu)

Gene: MAGEL2 (MAGE family member L2; minus strand). Cytogenetic location: 15q11.2.
Variant type: single nucleotide variant.
Coding change: c.135T>A on transcript NM_019066.5 (MANE Select); coding-DNA position 135, T replaced by A.
Protein change: p.Asp45Glu; replaces aspartic acid 45 with glutamic acid.
Molecular consequence: missense variant.
Genome position (GRCh38, 1-based): chr15:23,647,608, A>T on the plus strand (T>A on the coding strand, the complement: MAGEL2 is on the minus strand). VCF-style: chr15-23647608-A-T. GRCh37 (hg19) VCF-style: chr15-23892755-A-T.
Other names: short protein forms D45E.
Identifiers: ClinVar variation 703467 (VCV000703467.20), dbSNP rs1273933786, ClinGen allele CA391337844.
Genomic context (GRCh38, chr15:23,647,608, plus strand): 5'-CCAGGCAGGCTGAGGTGCCTGCCAAGCGGCCAATGAAGCCTGCAAGTCAATTGGAGGTGG[A>T]TCCCAAGGGACTGGCGGAGCCCGGGAGGAAGCGGGCGGGGCCCGCATCAGAACCGTAGGG-3'
Protein context (NP_061939.3, residues 35-55): ASSRAPPVPW[Asp45Glu]PPPIDLQASL